The following is an entry in ClinVar:

NM_000254.3(MTR):c.3341A>G (p.Tyr1114Cys)

Gene: MTR (5-methyltetrahydrofolate-homocysteine methyltransferase; plus strand). Cytogenetic location: 1q43.
Variant type: single nucleotide variant.
Coding change: c.3341A>G on transcript NM_000254.3 (MANE Select); coding-DNA position 3341, A replaced by G.
Protein change: p.Tyr1114Cys; replaces tyrosine 1114 with cysteine.
Molecular consequence: missense variant.
Genome position (GRCh38, 1-based): chr1:236,894,493, A>G. VCF-style: chr1-236894493-A-G. GRCh37 (hg19) VCF-style: chr1-237057793-A-G.
Other names: c.3341A>G (NM_000254.2); c.3188A>G, p.Tyr1063Cys (NM_001291939.1); c.2120A>G, p.Tyr707Cys (NM_001291940.2); c.3152A>G, p.Tyr1051Cys (NM_001410942.1); short protein forms Y707C, Y1063C, Y1114C, Y1051C.
Identifiers: ClinVar variation 2136934 (VCV002136934.2), dbSNP rs769629619, ClinGen allele CA1474668.

ClinVar aggregate classification (germline): Uncertain significance. Review status: criteria provided, multiple submitters, no conflicts (2 of 4 stars). 2 submissions from 2 submitters: Uncertain significance (2). Last evaluated 2025-04-01.

Conditions:
Inborn genetic diseases. Identifiers: MedGen C0950123, MeSH D030342.
Methylcobalamin deficiency type cblG (HMAG). Also called: Functional methionine synthase deficiency type cblG; HOMOCYSTINURIA-MEGALOBLASTIC ANEMIA, cblG TYPE; HOMOCYSTINURIA-MEGALOBLASTIC ANEMIA DUE TO DEFECT IN COBALAMIN METABOLISM, cblG COMPLEMENTATION TYPE; HOMOCYSTINURIA-MEGALOBLASTIC ANEMIA, cblG COMPLEMENTATION TYPE. Identifiers: Orphanet 2170, Orphanet 622, MedGen C1855128, MONDO:0009609, OMIM 250940.

Allele frequency attached by ClinVar (database versions not stated): ExAC 0.00005.
gnomAD v4.1: 47 of 1,613,984 alleles (0.0029%); highest among the groups gnomAD compares: African/African-American, 0.023%; no homozygotes.

Submissions (2):

Ambry Genetics
Classification: Uncertain significance for Inborn genetic diseases. Last evaluated: 2025-04-01. Review status: criteria provided, single submitter. Criteria: Ambry Variant Classification Scheme 2023. Collection method: clinical testing. Allele origin: germline.

Labcorp Genetics (formerly Invitae), Labcorp
Classification: Uncertain significance for Methylcobalamin deficiency type cblG. Last evaluated: 2022-01-17. Review status: criteria provided, single submitter. Criteria: Invitae Variant Classification Sherloc (09022015). Collection method: clinical testing. Allele origin: germline.
Comment: This sequence change replaces tyrosine, which is neutral and polar, with cysteine, which is neutral and slightly polar, at codon 1114 of the MTR protein (p.Tyr1114Cys). This variant is present in population databases (rs769629619, gnomAD 0.02%). This variant has not been reported in the literature in individuals affected with MTR-related conditions. Algorithms developed to predict the effect of missense changes on protein structure and function are either unavailable or do not agree on the potential impact of this missense change (SIFT: "Deleterious"; PolyPhen-2: "Probably Damaging"; Align-GVGD: "Class C0"). Algorithms developed to predict the effect of sequence changes on RNA splicing suggest that this variant may create or strengthen a splice site. In summary, the available evidence is currently insufficient to determine the role of this variant in disease. Therefore, it has been classified as a Variant of Uncertain Significance.